The following is an entry in ClinVar:

ClinVar aggregate classification (germline): Pathogenic (1 of 4 stars; one submission).

Conditions:
Deficiency of malonyl-CoA decarboxylase. Also called: Malonic aciduria; MCD deficiency. Identifiers: Orphanet 943, MedGen C0342793, MONDO:0009556, OMIM 248360.

Submission:

Labcorp Genetics (formerly Invitae), Labcorp
Classification: Pathogenic for Deficiency of malonyl-CoA decarboxylase. Last evaluated: 2023-11-14. Review status: criteria provided, single submitter. Criteria: Invitae Variant Classification Sherloc (09022015). Collection method: clinical testing. Allele origin: germline.
Comment: This sequence change creates a premature translational stop signal (p.Glu214*) in the MLYCD gene. It is expected to result in an absent or disrupted protein product. Loss-of-function variants in MLYCD are known to be pathogenic (PMID: 12955715, 17186413). This variant is not present in population databases (gnomAD no frequency). This variant has not been reported in the literature in individuals affected with MLYCD-related conditions. For these reasons, this variant has been classified as Pathogenic.

Literature cited by the submitters: PubMed 12955715; PubMed 17186413.

NM_012213.3(MLYCD):c.640G>T (p.Glu214Ter)

Gene: MLYCD (malonyl-CoA decarboxylase; plus strand). Cytogenetic location: 16q23.3.
Variant type: single nucleotide variant.
Coding change: c.640G>T on transcript NM_012213.3 (MANE Select); coding-DNA position 640, G replaced by T.
Protein change: p.Glu214Ter; replaces glutamic acid 214 with a stop codon.
Molecular consequence: nonsense.
Genome position (GRCh38, 1-based): chr16:83,907,098, G>T. VCF-style: chr16-83907098-G-T. GRCh37 (hg19) VCF-style: chr16-83940703-G-T.
Other names: short protein forms E214*.
Identifiers: ClinVar variation 2695851 (VCV002695851.3), dbSNP rs2507380841, ClinGen allele CA396918753.